The following is an entry in ClinVar:

NM_014714.4(IFT140):c.1669T>C (p.Cys557Arg)

Gene: IFT140 (intraflagellar transport 140; minus strand). Cytogenetic location: 16p13.3.
Variant type: single nucleotide variant.
Coding change: c.1669T>C on transcript NM_014714.4 (MANE Select); coding-DNA position 1669, T replaced by C.
Protein change: p.Cys557Arg; replaces cysteine 557 with arginine.
Molecular consequence: missense variant.
Genome position (GRCh38, 1-based): chr16:1,568,318, A>G on the plus strand (T>C on the coding strand, the complement: IFT140 is on the minus strand). VCF-style: chr16-1568318-A-G. GRCh37 (hg19) VCF-style: chr16-1618319-A-G.
Other names: short protein forms C557R.
Identifiers: ClinVar variation 1718068 (VCV001718068.5), dbSNP rs760342496, ClinGen allele CA394207630.

ClinVar aggregate classification (germline): Uncertain significance (1 of 4 stars; one submission).

Conditions:
Saldino-Mainzer syndrome (SRTD9). Also called: CONORENAL SYNDROME; short-rib thoracic dysplasia 9 with or without polydactyly; Renal dysplasia, retinal pigmentary dystrophy, cerebellar ataxia and skeletal dysplasia; SHORT-RIB THORACIC DYSPLASIA 9 WITHOUT POLYDACTYLY. Identifiers: Orphanet 140969, MedGen C1849437, MONDO:0009964, OMIM 266920.

Submission:

Labcorp Genetics (formerly Invitae), Labcorp
Classification: Uncertain significance for Saldino-Mainzer syndrome. Last evaluated: 2024-08-13. Review status: criteria provided, single submitter. Criteria: Invitae Variant Classification Sherloc (09022015). Collection method: clinical testing. Allele origin: germline.
Comment: This sequence change replaces cysteine, which is neutral and slightly polar, with arginine, which is basic and polar, at codon 557 of the IFT140 protein (p.Cys557Arg). This variant is not present in population databases (gnomAD no frequency). This variant has not been reported in the literature in individuals affected with IFT140-related conditions. ClinVar contains an entry for this variant (Variation ID: 1718068). Advanced modeling of protein sequence and biophysical properties (such as structural, functional, and spatial information, amino acid conservation, physicochemical variation, residue mobility, and thermodynamic stability) has been performed at Invitae for this missense variant, however the output from this modeling did not meet the statistical confidence thresholds required to predict the impact of this variant on IFT140 protein function. In summary, the available evidence is currently insufficient to determine the role of this variant in disease. Therefore, it has been classified as a Variant of Uncertain Significance.